The following is an entry in ClinVar:

ClinVar aggregate classification (germline): Pathogenic. Review status: criteria provided, multiple submitters, no conflicts (2 of 4 stars). 2 submissions from 2 submitters: Pathogenic (2). Last evaluated 2025-09-03.

Conditions:
Retinitis pigmentosa 12 (RP12). Also called: RP WITH OR WITHOUT PRESERVED PARAARTERIOLE RETINAL PIGMENT EPITHELIUM; RETINITIS PIGMENTOSA WITH OR WITHOUT PARAARTERIOLAR PRESERVATION OF RETINAL PIGMENT EPITHELIUM; RP WITH OR WITHOUT PPRPE. Identifiers: Orphanet 791, MedGen C1838647, MONDO:0010818, OMIM 600105.

Submissions (2):

GeneDx
Classification: Pathogenic. Last evaluated: 2025-09-03. Review status: criteria provided, single submitter. Criteria: GeneDx Variant Classification Process June 2021. Collection method: clinical testing. Allele origin: germline. Affected: yes.
Comment: Canonical splice site variant predicted to result in a null allele in a gene for which loss of function is a known mechanism of disease; Not observed at significant frequency in large population cohorts (gnomAD); This variant is associated with the following publications: (PMID: 32783370)

Moosajee Lab, UCL Institute of Ophthalmology
Classification: Pathogenic for Retinitis pigmentosa 12. Review status: criteria provided, single submitter. Criteria: ACMG Guidelines, 2015. Collection method: clinical testing. Allele origin: inherited. Inheritance: Autosomal recessive inheritance. Affected: yes. Observed: 1 compound heterozygote.

NM_201253.3(CRB1):c.2842+1delinsAA

Gene: CRB1 (crumbs cell polarity complex component 1; plus strand). Cytogenetic location: 1q31.3.
Variant type: Indel.
Coding change: c.2842+1delinsAA on transcript NM_201253.3 (MANE Select); the canonical splice donor site of the intron after coding-DNA position 2842, G replaced by AA.
Molecular consequence: splice donor variant. On other transcripts: intron variant (1).
Genome position (GRCh38, 1-based): chr1:197,429,615, G replaced by AA. VCF-style: chr1-197429615-G-AA. GRCh37 (hg19) VCF-style: chr1-197398745-G-AA.
Other names: c.2770+1delinsAA (NM_001257965.2); c.2129-5985delinsAA (NM_001257966.2); c.2506+1delinsAA (NM_001193640.2).
Identifiers: ClinVar variation 975813 (VCV000975813.2), dbSNP rs1664779239, ClinGen allele CA1139656479.